The following is an entry in ClinVar:

ClinVar aggregate classification (germline): Conflicting classifications of pathogenicity. Review status: criteria provided, conflicting classifications (1 of 4 stars). 5 submissions from 5 submitters: Uncertain significance (3); Likely benign (1). 1 of the submissions does not count toward it. Last evaluated 2026-02-04.

Conditions:
Inborn genetic diseases. Identifiers: MedGen C0950123, MeSH D030342.
HPS4-related disorder. Also called: HPS4-related condition.
Hermansky-Pudlak syndrome 4 (HPS4). Identifiers: Orphanet 231500, Orphanet 79430, MedGen C3484357, MONDO:0013556, OMIM 614073.

Allele frequency attached by ClinVar (database versions not stated): TOPMed 0.00009; gnomAD 0.00010 and 0.00018; ESP Exome Variant Server 0.00015; 1000 Genomes Project 30x 0.00016; 1000 Genomes Project 0.00020; gnomAD exomes 0.00025 and 0.00041; ExAC 0.00043.
gnomAD v4.1: 398 of 1,613,938 alleles (0.025%); highest among the groups gnomAD compares: South Asian, 0.24%; 3 homozygotes.

Submissions (5):

Labcorp Genetics (formerly Invitae), Labcorp
Classification: Likely benign. Last evaluated: 2026-02-04. Review status: criteria provided, single submitter. Criteria: Invitae Variant Classification Sherloc (09022015). Collection method: clinical testing. Allele origin: germline.

GeneDx
Classification: Uncertain significance. Last evaluated: 2025-04-29. Review status: criteria provided, single submitter. Criteria: GeneDx Variant Classification Process June 2021. Collection method: clinical testing. Allele origin: germline. Affected: yes.
Comment: In silico analysis supports that this missense variant has a deleterious effect on protein structure/function; Has not been previously published as pathogenic or benign to our knowledge

Ambry Genetics
Classification: Uncertain significance for Inborn genetic diseases. Last evaluated: 2023-03-07. Review status: criteria provided, single submitter. Criteria: Ambry Variant Classification Scheme 2023. Collection method: clinical testing. Allele origin: germline.

Illumina Laboratory Services, Illumina
Classification: Uncertain significance for Hermansky-Pudlak syndrome 4. Last evaluated: 2018-01-12. Review status: criteria provided, single submitter. Criteria: ICSL Variant Classification Criteria 13 December 2019. Collection method: clinical testing. Allele origin: germline.

PreventionGenetics, part of Exact Sciences
Classification: Likely benign for HPS4-related condition. Last evaluated: 2023-04-26. Review status: no assertion criteria provided. Collection method: clinical testing. Allele origin: germline. Not counted in ClinVar's aggregate classification.
Comment: This variant is classified as likely benign based on ACMG/AMP sequence variant interpretation guidelines (Richards et al. 2015 PMID: 25741868, with internal and published modifications).

NM_022081.6(HPS4):c.1679C>T (p.Pro560Leu)

Gene: HPS4 (HPS4 biogenesis of lysosomal organelles complex 3 subunit 2; minus strand). Cytogenetic location: 22q12.1.
Variant type: single nucleotide variant.
Coding change: c.1679C>T on transcript NM_022081.6 (MANE Select); coding-DNA position 1679, C replaced by T.
Protein change: p.Pro560Leu; replaces proline 560 with leucine.
Molecular consequence: missense variant. On other transcripts: non-coding transcript variant (8).
Genome position (GRCh38, 1-based): chr22:26,463,951, G>A on the plus strand (C>T on the coding strand, the complement: HPS4 is on the minus strand). VCF-style: chr22-26463951-G-A. GRCh37 (hg19) VCF-style: chr22-26859917-G-A.
Other names: c.1679C>T (NM_022081.4); c.1679C>T, p.Pro560Leu (NM_001349896.1, NM_001349898.2, NM_001349899.2 and 4 more transcripts); c.1733C>T, p.Pro578Leu (NM_001349900.2, NM_001349901.1); c.1664C>T, p.Pro555Leu (NM_152841.2); short protein forms P560L, P578L, P555L.
Identifiers: ClinVar variation 901043 (VCV000901043.17), dbSNP rs143902143, ClinGen allele CA10163267.